The following is an entry in ClinVar:

ClinVar aggregate classification (germline): Uncertain significance. Review status: criteria provided, multiple submitters, no conflicts (2 of 4 stars). 3 submissions from 3 submitters: Uncertain significance (3). Last evaluated 2025-08-11.

Conditions:
Inborn genetic diseases. Identifiers: MedGen C0950123, MeSH D030342.

gnomAD v4.1: 8 of 1,614,098 alleles (0.0005%); highest among the groups gnomAD compares: Non-Finnish European, 0.00068%; no homozygotes.

Submissions (3):

Labcorp Genetics (formerly Invitae), Labcorp
Classification: Uncertain significance. Last evaluated: 2025-08-11. Review status: criteria provided, single submitter. Criteria: Invitae Variant Classification Sherloc (09022015). Collection method: clinical testing. Allele origin: germline.
Comment: This sequence change replaces proline, which is neutral and non-polar, with arginine, which is basic and polar, at codon 341 of the ANKRD26 protein (p.Pro341Arg). This variant is present in population databases (no rsID available, gnomAD 0.0009%). This variant has not been reported in the literature in individuals affected with ANKRD26-related conditions. ClinVar contains an entry for this variant (Variation ID: 3340345). An algorithm developed to predict the effect of missense changes on protein structure and function (PolyPhen-2) suggests that this variant is likely to be tolerated. In summary, the available evidence is currently insufficient to determine the role of this variant in disease. Therefore, it has been classified as a Variant of Uncertain Significance.

Ambry Genetics
Classification: Uncertain significance for Inborn genetic diseases. Last evaluated: 2025-02-08. Review status: criteria provided, single submitter. Criteria: Ambry Variant Classification Scheme 2023. Collection method: clinical testing. Allele origin: germline.
Comment: The p.P341R variant (also known as c.1022C>G), located in coding exon 9 of the ANKRD26 gene, results from a C to G substitution at nucleotide position 1022. The proline at codon 341 is replaced by arginine, an amino acid with dissimilar properties. This amino acid position is conserved. In addition, this alteration is predicted to be tolerated by in silico analysis. Based on the available evidence, the clinical significance of this variant remains unclear.

GeneDx
Classification: Uncertain significance. Last evaluated: 2023-05-31. Review status: criteria provided, single submitter. Criteria: GeneDx Variant Classification Process June 2021. Collection method: clinical testing. Allele origin: germline. Affected: yes.
Comment: Not observed at significant frequency in large population cohorts (gnomAD); In silico analysis supports that this missense variant has a deleterious effect on protein structure/function; Has not been previously published as pathogenic or benign to our knowledge

NM_014915.3(ANKRD26):c.1022C>G (p.Pro341Arg)

Gene: ANKRD26 (ankyrin repeat domain 26; minus strand). Cytogenetic location: 10p12.1.
Variant type: single nucleotide variant.
Coding change: c.1022C>G on transcript NM_014915.3 (MANE Select); coding-DNA position 1022, C replaced by G.
Protein change: p.Pro341Arg; replaces proline 341 with arginine.
Molecular consequence: missense variant.
Genome position (GRCh38, 1-based): chr10:27,077,393, G>C on the plus strand (C>G on the coding strand, the complement: ANKRD26 is on the minus strand). VCF-style: chr10-27077393-G-C. GRCh37 (hg19) VCF-style: chr10-27366322-G-C.
Other names: c.1022C>G, p.Pro341Arg (NM_001256053.2); short protein forms P341R.
Identifiers: ClinVar variation 3340345 (VCV003340345.5).